The following is an entry in ClinVar:

NM_003906.5(MCM3AP):c.4297del (p.His1433fs)

Genes: MCM3AP (minichromosome maintenance complex component 3 associated protein; minus strand), MCM3AP-AS1 (MCM3AP antisense RNA 1; plus strand). Cytogenetic location: 21q22.3.
Variant type: Deletion.
Coding change: c.4297del on transcript NM_003906.5 (MANE Select); coding-DNA position 4297, one base deleted (C; older notation c.4297delC).
Protein change: p.His1433fs; shifts the reading frame from histidine 1433.
Molecular consequence: frameshift variant.
Genome position (GRCh38, 1-based): chr21:46,246,880, G deleted on the plus strand (C on the coding strand, the reverse complement: MCM3AP is on the minus strand); the first of 3 consecutive G bases (chr21:46,246,880-46,246,882); deleting any one gives the same sequence. VCF-style (leftmost placement, unchanged base first): chr21-46246879-TG-T. GRCh37 (hg19) VCF-style: chr21-47666793-TG-T.
Other names: short protein forms H1433fs.
Identifiers: ClinVar variation 1393589 (VCV001393589.6), dbSNP rs2123834953, ClinGen allele CA2573157522.

ClinVar aggregate classification (germline): Pathogenic (1 of 4 stars; one submission).

Submission:

Labcorp Genetics (formerly Invitae), Labcorp
Classification: Pathogenic. Last evaluated: 2026-01-09. Review status: criteria provided, single submitter. Criteria: Invitae Variant Classification Sherloc (09022015). Collection method: clinical testing. Allele origin: germline.
Comment: This sequence change creates a premature translational stop signal (p.His1433Metfs*32) in the MCM3AP gene. It is expected to result in an absent or disrupted protein product. Loss-of-function variants in MCM3AP are known to be pathogenic (PMID: 28633435). This variant is not present in population databases (gnomAD no frequency). This variant has not been reported in the literature in individuals affected with MCM3AP-related conditions. ClinVar contains an entry for this variant (Variation ID: 1393589). For these reasons, this variant has been classified as Pathogenic.

Literature cited by the submitters: PubMed 28633435.